The following is an entry in ClinVar:

NM_014727.3(KMT2B):c.1753_1770dup (p.Pro590_Ser591insArgAlaProThrProPro)

Gene: KMT2B (lysine methyltransferase 2B; plus strand). Cytogenetic location: 19q13.12.
Variant type: Duplication.
Coding change: c.1753_1770dup on transcript NM_014727.3 (MANE Select); coding-DNA positions 1753 to 1770, 18 bases duplicated (CGTGCCCCAACTCCTCCA).
Protein change: p.Pro590_Ser591insArgAlaProThrProPro.
Molecular consequence: inframe insertion.
Genome position (GRCh38, 1-based): chr19:35,721,100-35,721,117, CGTGCCCCAACTCCTCCA duplicated; duplicating any 18 consecutive bases within chr19:35,721,097-35,721,117 gives the same sequence; the c. name uses the placement nearest the transcript's 3' end. VCF-style (leftmost placement, unchanged base first): chr19-35721096-A-ACCACGTGCCCCAACTCCT. GRCh37 (hg19) VCF-style: chr19-36211998-A-ACCACGTGCCCCAACTCCT.
Identifiers: ClinVar variation 5009511 (VCV005009511.1).

ClinVar aggregate classification (germline): Uncertain significance (1 of 4 stars; one submission).

Submission:

GeneDx
Classification: Uncertain significance. Last evaluated: 2026-02-15. Review status: criteria provided, single submitter. Criteria: GeneDx Variant Classification Process June 2021. Collection method: clinical testing. Allele origin: germline.
Comment: Not observed at significant frequency in large population cohorts (gnomAD); In-frame duplication of 6 amino acids in a non-repeat region; Has not been previously published as pathogenic or benign to our knowledge